The following is an entry in ClinVar:

ClinVar aggregate classification (germline): Benign/Likely benign. Review status: criteria provided, multiple submitters, no conflicts (2 of 4 stars). 6 submissions from 6 submitters: Benign (1); Likely benign (4). 1 of the submissions does not count toward it. Last evaluated 2026-03-30.

Conditions:
PCDH15-related disorder. Also called: PCDH15-related condition; PCDH15-related disorders.
Usher syndrome type 1F (USH1F). Also called: USHER SYNDROME, TYPE IF. Identifiers: Orphanet 231169, Orphanet 886, MedGen C1865885, MONDO:0011186, OMIM 602083.

Allele frequency attached by ClinVar (database versions not stated): gnomAD 0.00006 and 0.00008; TOPMed 0.00007; gnomAD exomes 0.00011 and 0.00025; 1000 Genomes Project 0.00020; ESP Exome Variant Server 0.00023; ExAC 0.00026; 1000 Genomes Project 30x 0.00031.
gnomAD v4.1: 172 of 1,612,116 alleles (0.011%); highest among the groups gnomAD compares: South Asian, 0.096%; 1 homozygote.

Submissions (6):

PreventionGenetics, part of Exact Sciences
Classification: Likely benign for PCDH15-related condition. Last evaluated: 2026-03-30. Review status: criteria provided, single submitter. Criteria: ACMG Guidelines, 2015. Collection method: clinical testing. Allele origin: germline.
Comment: This variant is classified as likely benign based on ACMG/AMP sequence variant interpretation guidelines (Richards et al. 2015 PMID: 25741868, with internal and published modifications).

Labcorp Genetics (formerly Invitae), Labcorp
Classification: Benign. Last evaluated: 2026-01-31. Review status: criteria provided, single submitter. Criteria: Invitae Variant Classification Sherloc (09022015). Collection method: clinical testing. Allele origin: germline.

Blueprint Genetics
Classification: Likely benign. Last evaluated: 2024-11-27. Review status: criteria provided, single submitter. Criteria: ACMG Guidelines, 2015. Collection method: clinical testing. Allele origin: germline.

GeneDx
Classification: Likely benign. Last evaluated: 2020-07-22. Review status: criteria provided, single submitter. Criteria: GeneDx Variant Classification Process June 2021. Collection method: clinical testing. Allele origin: germline. Affected: yes.

Breakthrough Genomics
Classification: Likely benign. Review status: criteria provided, single submitter. Criteria: ACMG Guidelines, 2015. Collection method: not provided. Allele origin: germline. Inheritance: Autosomal recessive inheritance. Affected: yes.

Natera, Inc.
Classification: Likely benign for Usher syndrome type 1F. Last evaluated: 2020-09-21. Review status: no assertion criteria provided. Collection method: clinical testing. Allele origin: germline. Not counted in ClinVar's aggregate classification.

NM_001384140.1(PCDH15):c.3753T>C (p.Ile1251=)

Gene: PCDH15 (protocadherin related 15; minus strand). Cytogenetic location: 10q21.1.
Variant type: single nucleotide variant.
Coding change: c.3753T>C on transcript NM_001384140.1 (MANE Select); coding-DNA position 3753, T replaced by C.
Protein change: p.Ile1251=; no amino-acid change (isoleucine 1251 retained).
Molecular consequence: synonymous variant.
Genome position (GRCh38, 1-based): chr10:53,857,228, A>G on the plus strand (T>C on the coding strand, the complement: PCDH15 is on the minus strand). VCF-style: chr10-53857228-A-G. GRCh37 (hg19) VCF-style: chr10-55616988-A-G.
Other names: c.3768T>C, p.Ile1256= (NM_001142763.2, NM_001142771.2); c.3753T>C, p.Ile1251= (NM_001142764.2, NM_001142766.2, NM_001142770.3 and 4 more transcripts); c.3540T>C, p.Ile1180= (NM_001142765.2); c.3642T>C, p.Ile1214= (NM_001142767.2); c.3687T>C, p.Ile1229= (NM_001142768.2, NM_001142773.2, NM_001354404.2); c.3789T>C, p.Ile1263= (NM_001142769.4); c.3774T>C, p.Ile1258= (NM_001354411.2).
Identifiers: ClinVar variation 798921 (VCV000798921.17), dbSNP rs139873638, ClinGen allele CA5505560.